The following is an entry in ClinVar:

NM_145698.5(ACBD5):c.1515G>A (p.Trp505Ter)

Gene: ACBD5 (acyl-CoA binding domain containing 5; minus strand). Cytogenetic location: 10p12.1.
Variant type: single nucleotide variant.
Coding change: c.1515G>A on transcript NM_145698.5 (MANE Select); coding-DNA position 1515, G replaced by A.
Protein change: p.Trp505Ter; replaces tryptophan 505 with a stop codon.
Molecular consequence: nonsense.
Genome position (GRCh38, 1-based): chr10:27,204,490, C>T on the plus strand (G>A on the coding strand, the complement: ACBD5 is on the minus strand). VCF-style: chr10-27204490-C-T. GRCh37 (hg19) VCF-style: chr10-27493419-C-T.
Other names: c.1410G>A, p.Trp470Ter (NM_001042473.4, NM_001352577.2, NM_001352578.2 and 1 more transcripts); c.1509G>A, p.Trp503Ter (NM_001271512.3); c.1443G>A, p.Trp481Ter (NM_001352574.2, NM_001352575.2, NM_001352576.2); c.1356G>A, p.Trp452Ter (NM_001352580.2); c.1344G>A, p.Trp448Ter (NM_001352581.1); c.1206G>A, p.Trp402Ter (NM_001352582.2); c.1188G>A, p.Trp396Ter (NM_001352583.1, NM_001352584.1, NM_001301251.2 and 2 more transcripts); c.1221G>A, p.Trp407Ter (NM_001352585.1); and 10 more; short protein forms W435*, W437*, W446*, W512*, W396*, W452*, W470*, W328*.
Identifiers: ClinVar variation 2023818 (VCV002023818.4), dbSNP rs2540392429, ClinGen allele CA376372721.

ClinVar aggregate classification (germline): Pathogenic (1 of 4 stars; one submission).

Submission:

Labcorp Genetics (formerly Invitae), Labcorp
Classification: Pathogenic. Last evaluated: 2024-08-13. Review status: criteria provided, single submitter. Criteria: Invitae Variant Classification Sherloc (09022015). Collection method: clinical testing. Allele origin: germline.
Comment: This sequence change creates a premature translational stop signal (p.Trp505*) in the ACBD5 gene. It is expected to result in an absent or disrupted protein product. Loss-of-function variants in ACBD5 are known to be pathogenic (PMID: 23105016, 27799409). This variant is not present in population databases (gnomAD no frequency). This variant has not been reported in the literature in individuals affected with ACBD5-related conditions. ClinVar contains an entry for this variant (Variation ID: 2023818). For these reasons, this variant has been classified as Pathogenic.

Literature cited by the submitters: PubMed 23105016; PubMed 27799409.